The following is an entry in ClinVar:

NM_001040108.2(MLH3):c.4186G>T (p.Gly1396Trp)

Gene: MLH3 (mutL homolog 3; minus strand). Cytogenetic location: 14q24.3.
Variant type: single nucleotide variant.
Coding change: c.4186G>T on transcript NM_001040108.2 (MANE Select); coding-DNA position 4186, G replaced by T.
Protein change: p.Gly1396Trp; replaces glycine 1396 with tryptophan.
Molecular consequence: missense variant.
Genome position (GRCh38, 1-based): chr14:75,018,885, C>A on the plus strand (G>T on the coding strand, the complement: MLH3 is on the minus strand). VCF-style: chr14-75018885-C-A. GRCh37 (hg19) VCF-style: chr14-75485588-C-A.
Other names: c.4114G>T, p.Gly1372Trp (NM_014381.3); short protein forms G1396W, G1372W.
Identifiers: ClinVar variation 544279 (VCV000544279.15), dbSNP rs368876363, ClinGen allele CA7275203.
Genomic context (GRCh38, chr14:75,018,885, plus strand): 5'-GTACCTGTTTTTCCTGTTCCAAGTGGTCTATGTCAGCTAACGGCAGCATAGAAGGTCTCC[C>A]GTGAGCACACTGGAATGGCAGCTGGCATGAGGACAGAGCTTCAATAAGGCGGCAACTTTC-3'
Protein context (NP_001035197.1, residues 1386-1406): SCQLPFQCAH[Gly1396Trp]RPSMLPLADI

ClinVar aggregate classification (germline): Uncertain significance. Review status: criteria provided, multiple submitters, no conflicts (2 of 4 stars). 3 submissions from 3 submitters: Uncertain significance (2). 1 of the submissions does not count toward it. Last evaluated 2025-05-07.

Conditions:
MLH3-related disorder. Also called: MLH3-related condition.
Colorectal cancer, hereditary nonpolyposis, type 7. Identifiers: Orphanet 144, MedGen C1858380, MONDO:0013725, OMIM 614385.

Allele frequency attached by ClinVar (database versions not stated): TOPMed 0.00001; gnomAD 0.00003; ESP Exome Variant Server 0.00008.
gnomAD v4.1: 24 of 1,613,982 alleles (0.0015%); highest among the groups gnomAD compares: Non-Finnish European, 0.0019%; no homozygotes.

Submissions (3):

Labcorp Genetics (formerly Invitae), Labcorp
Classification: Uncertain significance for Colorectal cancer, hereditary nonpolyposis, type 7. Last evaluated: 2025-05-07. Review status: criteria provided, single submitter. Criteria: Invitae Variant Classification Sherloc (09022015). Collection method: clinical testing. Allele origin: germline.
Comment: This sequence change replaces glycine, which is neutral and non-polar, with tryptophan, which is neutral and slightly polar, at codon 1396 of the MLH3 protein (p.Gly1396Trp). This variant is present in population databases (rs368876363, gnomAD 0.004%). This variant has not been reported in the literature in individuals affected with MLH3-related conditions. ClinVar contains an entry for this variant (Variation ID: 544279). An algorithm developed to predict the effect of missense changes on protein structure and function (PolyPhen-2) suggests that this variant is likely to be disruptive. In summary, the available evidence is currently insufficient to determine the role of this variant in disease. Therefore, it has been classified as a Variant of Uncertain Significance.

Ambry Genetics
Classification: Uncertain significance. Last evaluated: 2024-10-21. Review status: criteria provided, single submitter. Criteria: Ambry Variant Classification Scheme 2023. Collection method: clinical testing. Allele origin: germline.
Comment: The p.G1396W variant (also known as c.4186G>T), located in coding exon 11 of the MLH3 gene, results from a G to T substitution at nucleotide position 4186. The glycine at codon 1396 is replaced by tryptophan, an amino acid with highly dissimilar properties. This amino acid position is highly conserved in available vertebrate species. In addition, this alteration is predicted to be deleterious by in silico analysis. The evidence for this gene-disease relationship is limited; therefore, the clinical significance of this alteration is unclear.

PreventionGenetics, part of Exact Sciences
Classification: Uncertain significance for MLH3-related condition. Last evaluated: 2024-06-14. Review status: no assertion criteria provided. Collection method: clinical testing. Allele origin: germline. Not counted in ClinVar's aggregate classification.
Comment: The MLH3 c.4186G>T variant is predicted to result in the amino acid substitution p.Gly1396Trp. To our knowledge, this variant has not been reported in the literature. This variant is reported in 0.0031% of alleles in individuals of European (Non-Finnish) descent in gnomAD and is listed in ClinVar as uncertain . At this time, the clinical significance of this variant is uncertain due to the absence of conclusive functional and genetic evidence.